The following is an entry in ClinVar:

ClinVar aggregate classification (germline): Conflicting classifications of pathogenicity. Review status: criteria provided, conflicting classifications (1 of 4 stars). 4 submissions from 4 submitters: Uncertain significance (3); Likely benign (1). Last evaluated 2026-09-01.

Conditions:
Noonan syndrome and Noonan-related syndrome. Identifiers: Orphanet 98733, MedGen C5681679, MONDO:0020297.
RASopathy. Also called: rasopathies; Noonan spectrum disorder. Identifiers: Orphanet 536391, MedGen C5555857, MONDO:0021060.
SOS1-related disorder. Also called: SOS1-related condition.

Allele frequency attached by ClinVar (database versions not stated): gnomAD exomes below 0.00001; gnomAD 0.00001; TOPMed 0.00001; ESP Exome Variant Server 0.00008.
gnomAD v4.1: 8 of 1,605,512 alleles (0.0005%); highest among the groups gnomAD compares: East Asian, 0.0022%; no homozygotes.

Submissions (4):

CeGaT Center for Human Genetics Tuebingen
Classification: Likely benign. Last evaluated: 2026-09-01. Review status: criteria provided, single submitter. Criteria: CeGaT Center For Human Genetics Tuebingen Variant Classification Criteria Version 2. Collection method: clinical testing. Allele origin: germline. Affected: yes. Observed: 1 variant allele.
Comment: SOS1: BP4

Labcorp Genetics (formerly Invitae), Labcorp
Classification: Uncertain significance for RASopathy. Last evaluated: 2025-11-28. Review status: criteria provided, single submitter. Criteria: Invitae Variant Classification Sherloc (09022015). Collection method: clinical testing. Allele origin: germline.
Comment: This sequence change replaces valine, which is neutral and non-polar, with isoleucine, which is neutral and non-polar, at codon 1120 of the SOS1 protein (p.Val1120Ile). This variant is not present in population databases (gnomAD no frequency). This variant has not been reported in the literature in individuals affected with SOS1-related conditions. ClinVar contains an entry for this variant (Variation ID: 1334290). Invitae Evidence Modeling of protein sequence and biophysical properties (such as structural, functional, and spatial information, amino acid conservation, physicochemical variation, residue mobility, and thermodynamic stability) indicates that this missense variant is not expected to disrupt SOS1 protein function with a negative predictive value of 95%. In summary, the available evidence is currently insufficient to determine the role of this variant in disease. Therefore, it has been classified as a Variant of Uncertain Significance.

PreventionGenetics, part of Exact Sciences
Classification: Uncertain significance for SOS1-related condition. Last evaluated: 2025-09-24. Review status: criteria provided, single submitter. Criteria: ACMG Guidelines, 2015. Collection method: clinical testing. Allele origin: germline.
Comment: The SOS1 c.3358G>A variant is predicted to result in the amino acid substitution p.Val1120Ile. To our knowledge, this variant has not been reported in the literature or in a large population database (gnomAD), indicating this variant is rare. At this time, the clinical significance of this variant is uncertain due to the absence of conclusive functional and genetic evidence.

Genome Diagnostics Laboratory, The Hospital for Sick Children
Classification: Uncertain significance for Noonan syndrome and Noonan-related syndrome. Last evaluated: 2019-09-01. Review status: criteria provided, single submitter. Criteria: ACMG Guidelines, 2015. Collection method: clinical testing. Allele origin: germline.

NM_005633.4(SOS1):c.3358G>A (p.Val1120Ile)

Gene: SOS1 (SOS Ras/Rac guanine nucleotide exchange factor 1; minus strand). Cytogenetic location: 2p22.1.
Variant type: single nucleotide variant.
Coding change: c.3358G>A on transcript NM_005633.4 (MANE Select); coding-DNA position 3358, G replaced by A.
Protein change: p.Val1120Ile; replaces valine 1120 with isoleucine.
Molecular consequence: missense variant. On other transcripts: intron variant (1).
Genome position (GRCh38, 1-based): chr2:38,989,303, C>T on the plus strand (G>A on the coding strand, the complement: SOS1 is on the minus strand). VCF-style: chr2-38989303-C-T. GRCh37 (hg19) VCF-style: chr2-39216444-C-T.
Other names: c.3337G>A, p.Val1113Ile (NM_001382394.1); c.3347-1712G>A (NM_001382395.1); short protein forms V1113I, V1120I.
Identifiers: ClinVar variation 1334290 (VCV001334290.8), dbSNP rs368767111, ClinGen allele CA45642643.